The following is an entry in ClinVar:

ClinVar aggregate classification (germline): Benign/Likely benign. Review status: criteria provided, multiple submitters, no conflicts (2 of 4 stars). 4 submissions from 4 submitters: Benign (1); Likely benign (3). Last evaluated 2025-06-23.

Conditions:
Familial cancer of breast. Also called: Hereditary breast cancer; BREAST CANCER, FAMILIAL; hereditary breast carcinoma. Identifiers: Orphanet 227535, MedGen C0346153, MONDO:0016419, OMIM 114480. Disease mechanism: loss of function.
Hereditary cancer-predisposing syndrome. Also called: Tumor predisposition; Neoplastic Syndromes, Hereditary; Hereditary Cancer Syndrome; Hereditary neoplastic syndrome. Identifiers: Orphanet 140162, MedGen C0027672, MeSH D009386, MONDO:0015356.

Allele frequency attached by ClinVar (database versions not stated): gnomAD exomes below 0.00001; TOPMed below 0.00001; ExAC 0.00001; gnomAD 0.00001.
gnomAD v4.1: 2 of 1,614,044 alleles (0.00012%); highest among the groups gnomAD compares: Non-Finnish European, 0.00017%; no homozygotes.

Submissions (4):

Labcorp Genetics (formerly Invitae), Labcorp
Classification: Likely benign for Familial cancer of breast. Last evaluated: 2025-06-23. Review status: criteria provided, single submitter. Criteria: Invitae Variant Classification Sherloc (09022015). Collection method: clinical testing. Allele origin: germline.

Myriad Genetics, Inc.
Classification: Benign for Familial cancer of breast. Last evaluated: 2024-07-30. Review status: criteria provided, single submitter. Criteria: Myriad Autosomal Dominant, Autosomal Recessive and X-Linked Classification Criteria (2023). Collection method: clinical testing. Allele origin: unknown.
Comment: This variant is considered benign. This variant is a silent/synonymous amino acid change and it is not expected to impact splicing.

Ambry Genetics
Classification: Likely benign for Hereditary cancer-predisposing syndrome. Last evaluated: 2024-01-19. Review status: criteria provided, single submitter. Criteria: Ambry Variant Classification Scheme 2023. Collection method: clinical testing. Allele origin: germline.

Department of Pathology and Laboratory Medicine, Sinai Health System
Classification: Likely benign for Familial cancer of breast. Last evaluated: 2021-02-11. Review status: criteria provided, single submitter. Criteria: ACMG Guidelines, 2015. Collection method: clinical testing. Allele origin: germline. Affected: yes.

NM_000465.4(BARD1):c.2259C>A (p.Gly753=)

Gene: BARD1 (BRCA1 associated RING domain 1; minus strand). Cytogenetic location: 2q35.
Variant type: single nucleotide variant.
Coding change: c.2259C>A on transcript NM_000465.4 (MANE Select); coding-DNA position 2259, C replaced by A.
Protein change: p.Gly753=; no amino-acid change (glycine 753 retained).
Molecular consequence: synonymous variant. On other transcripts: non-coding transcript variant (3).
Genome position (GRCh38, 1-based): chr2:214,728,751, G>T on the plus strand (C>A on the coding strand, the complement: BARD1 is on the minus strand). VCF-style: chr2-214728751-G-T. GRCh37 (hg19) VCF-style: chr2-215593475-G-T.
Other names: c.2202C>A, p.Gly734= (NM_001282543.2); c.906C>A, p.Gly302= (NM_001282545.2); c.849C>A, p.Gly283= (NM_001282548.2); c.720C>A, p.Gly240= (NM_001282549.2); c.2259C>A (NM_000465.2).
Identifiers: ClinVar variation 758415 (VCV000758415.14), dbSNP rs753441393, ClinGen allele CA2090055.